The following is an entry in ClinVar:

ClinVar aggregate classification (germline): Likely pathogenic. Review status: criteria provided, multiple submitters, no conflicts (2 of 4 stars). 2 submissions from 2 submitters: Likely pathogenic (2). Last evaluated 2019-06-28.

Conditions:
Arthrogryposis multiplex congenita (AMC). Also called: Congenital multiple arthrogryposis; Fibrous ankylosis of multiple joints; Congenital arthromyodysplasia; Myodystrophia fetalis deformans; Otto syndrome; Rocher-Sheldon syndrome. Identifiers: Orphanet 1037, MedGen C5779613, MeSH D001176, MONDO:0015168, HP:0002804.
Fetal akinesia deformation sequence 1 (FADS1). Also called: Pena-Shokeir syndrome type I; Fetal akinesia sequence. Identifiers: Orphanet 994, MedGen C1276035, MONDO:0100101, OMIM 208150, HP:0001989.

Submissions (2):

Cirak Lab, University Hospital Cologne
Classification: Likely pathogenic for Arthrogryposis multiplex congenita; Fetal akinesia sequence. Last evaluated: 2019-06-28. Review status: criteria provided, single submitter. Criteria: ACMG Guidelines, 2015. Collection method: research. Allele origin: unknown. Affected: yes. Observed: 1 variant allele.

Harry Perkins Institute Of Medical Research, University Of Western Australia
Classification: Likely pathogenic. Review status: criteria provided, single submitter. Criteria: ACMG Guidelines, 2015. Collection method: research. Allele origin: de novo. Inheritance: Autosomal dominant inheritance. Affected: yes.
Comment: PM1_moderate, PP3_moderate, PM2_supporting, PP5_supporting. Variant previously reported in a case with arthrogryposis multiplex congenita/ Fetal akinesia deformation sequence 1 on ClinVar and classified as likely pathogenic (Accession: VCV000692293.2)

Literature cited by the submitters: PubMed 31680123 (cited by Cirak Lab, University Hospital Cologne and Harry Perkins Institute Of Medical Research, University Of Western Australia).

NM_000334.4(SCN4A):c.2018T>C (p.Leu673Pro)

Gene: SCN4A (sodium voltage-gated channel alpha subunit 4; minus strand). Cytogenetic location: 17q23.3.
Variant type: single nucleotide variant.
Coding change: c.2018T>C on transcript NM_000334.4 (MANE Select); coding-DNA position 2018, T replaced by C.
Protein change: p.Leu673Pro; replaces leucine 673 with proline.
Molecular consequence: missense variant.
Genome position (GRCh38, 1-based): chr17:63,959,266, A>G on the plus strand (T>C on the coding strand, the complement: SCN4A is on the minus strand). VCF-style: chr17-63959266-A-G. GRCh37 (hg19) VCF-style: chr17-62036626-A-G.
Other names: short protein forms L673P.
Identifiers: ClinVar variation 692293 (VCV000692293.3), dbSNP rs1597978607, ClinGen allele CA400631560.